The following is an entry in ClinVar:

ClinVar aggregate classification (germline): Pathogenic (1 of 4 stars; one submission).

Submission:

Labcorp Genetics (formerly Invitae), Labcorp
Classification: Pathogenic. Last evaluated: 2023-03-01. Review status: criteria provided, single submitter. Criteria: Invitae Variant Classification Sherloc (09022015). Collection method: clinical testing. Allele origin: unknown.
Comment: This variant results in the deletion of part of exon 5 and exons 6-13 (c.413_*34001del) of the SLC34A3 gene. While this deletion is not anticipated to lead to nonsense mediated decay, it is expected to alter mRNA translation or result in a truncated protein product. This variant has not been reported in the literature in individuals affected with SLC34A3-related conditions. This variant disrupts a region of the SLC34A3 protein in which other variant(s) (p.Trp541*) have been determined to be pathogenic (PMID: 31440709). This suggests that this is a clinically significant region of the protein, and that variants that disrupt it are likely to be disease-causing. For these reasons, this variant has been classified as Pathogenic.

Literature cited by the submitters: PubMed 31440709.

NC_000009.11:g.(?_140127344)_(140164869_?)del

Genes: CIMIP2A (ciliary microtubule inner protein 2A; minus strand), NELFB (negative elongation factor complex member B; plus strand), SLC34A3 (solute carrier family 34 member 3; plus strand), STPG3 (sperm-tail PG-rich repeat containing 3; plus strand), TUBB4B (tubulin beta 4B class IVb; plus strand). Cytogenetic location: 9q34.3.
Variant type: Deletion.
Identifiers: ClinVar variation 3245386 (VCV003245386.1).